The following is an entry in ClinVar:

ClinVar aggregate classification (germline): Likely pathogenic (1 of 4 stars; one submission).

Submission:

GeneDx
Classification: Likely pathogenic. Last evaluated: 2022-01-03. Review status: criteria provided, single submitter. Criteria: GeneDx Variant Classification Process June 2021. Collection method: clinical testing. Allele origin: germline. Affected: yes.
Comment: Not observed at significant frequency in large population cohorts (gnomAD); Missense variants in this gene are often considered pathogenic (HGMD); In silico analysis supports that this missense variant has a deleterious effect on protein structure/function; This variant is associated with the following publications: (PMID: 28448691)

NM_000166.6(GJB1):c.47A>G (p.His16Arg)

Gene: GJB1 (gap junction protein beta 1; plus strand). Cytogenetic location: Xq13.1.
Variant type: single nucleotide variant.
Coding change: c.47A>G on transcript NM_000166.6 (MANE Select); coding-DNA position 47, A replaced by G.
Protein change: p.His16Arg; replaces histidine 16 with arginine.
Molecular consequence: missense variant.
Genome position (GRCh38, 1-based): chrX:71,223,754, A>G. VCF-style: chrX-71223754-A-G. GRCh37 (hg19) VCF-style: chrX-70443604-A-G.
Other names: c.47A>G, p.His16Arg (NM_001097642.3); short protein forms H16R.
Identifiers: ClinVar variation 1693324 (VCV001693324.2), dbSNP rs1602348610, ClinGen allele CA413499542.